The following is an entry in ClinVar:

NM_001868.4(CPA1):c.559G>A (p.Ala187Thr)

Gene: CPA1 (carboxypeptidase A1; plus strand). Cytogenetic location: 7q32.2.
Variant type: single nucleotide variant.
Coding change: c.559G>A on transcript NM_001868.4 (MANE Select); coding-DNA position 559, G replaced by A.
Protein change: p.Ala187Thr; replaces alanine 187 with threonine.
Molecular consequence: missense variant.
Genome position (GRCh38, 1-based): chr7:130,383,466, G>A. VCF-style: chr7-130383466-G-A. GRCh37 (hg19) VCF-style: chr7-130023307-G-A.
Other names: short protein forms A187T.
Identifiers: ClinVar variation 2448276 (VCV002448276.2), dbSNP rs1554411500, ClinGen allele CA369282428.

ClinVar aggregate classification (germline): Uncertain significance (1 of 4 stars; one submission).

Conditions:
Hereditary pancreatitis (PCTT). Also called: Hereditary chronic pancreatitis; PRSS1-Related Hereditary Pancreatitis. Identifiers: Orphanet 676, MedGen C0238339, MONDO:0008185, OMIM 167800.

gnomAD v4.1: 1 of 1,614,176 alleles (0.000062%); no homozygotes.

Submission:

Ambry Genetics
Classification: Uncertain significance for Hereditary pancreatitis. Last evaluated: 2023-02-26. Review status: criteria provided, single submitter. Criteria: Ambry Variant Classification Scheme 2023. Collection method: clinical testing. Allele origin: germline.
Comment: The p.A187T variant (also known as c.559G>A), located in coding exon 5 of the CPA1 gene, results from a G to A substitution at nucleotide position 559. The alanine at codon 187 is replaced by threonine, an amino acid with similar properties. This amino acid position is conserved. In addition, the in silico prediction for this alteration is inconclusive. Since supporting evidence is limited at this time, the clinical significance of this alteration remains unclear.